The following is an entry in ClinVar:

NM_153365.3(TAPT1):c.1032G>T (p.Met344Ile)

Gene: TAPT1 (transmembrane anterior posterior transformation 1; minus strand). Cytogenetic location: 4p15.32.
Variant type: single nucleotide variant.
Coding change: c.1032G>T on transcript NM_153365.3 (MANE Select); coding-DNA position 1032, G replaced by T.
Protein change: p.Met344Ile; replaces methionine 344 with isoleucine.
Molecular consequence: missense variant.
Genome position (GRCh38, 1-based): chr4:16,176,194, C>A on the plus strand (G>T on the coding strand, the complement: TAPT1 is on the minus strand). VCF-style: chr4-16176194-C-A. GRCh37 (hg19) VCF-style: chr4-16177817-C-A.
Other names: short protein forms M344I.
Identifiers: ClinVar variation 690289 (VCV000690289.5), dbSNP rs1338086129, ClinGen allele CA356494867.
Genomic context (GRCh38, chr4:16,176,194, plus strand): 5'-ATTGAATTTAGTAATAAAGGCATGTTTTACAATATCCACGGCAATTTCTGATGCAATTAC[C>A]ATACAGACATCTGGAAACAACACCCAGAGATGATCTGTAAATAGAAAAAAGAAAAACAAC-3'
Protein context (NP_699196.2, residues 334-354): HLWVLFPDVC[Met344Ile]VIASEIAVDI

ClinVar aggregate classification (germline): Uncertain significance. Review status: criteria provided, multiple submitters, no conflicts (2 of 4 stars). 2 submissions from 2 submitters: Uncertain significance (2). Last evaluated 2022-05-21.

Conditions:
Complex lethal osteochondrodysplasia. Also called: Osteochondrodysplasia, complex lethal, symoens-barnes-gistelinck type. Identifiers: Orphanet 457378, MedGen C4225162, MONDO:0014821, OMIM 616897.

Allele frequency attached by ClinVar (database versions not stated): gnomAD 0.00001; TOPMed 0.00001; gnomAD exomes 0.00002.
gnomAD v4.1: 34 of 1,572,192 alleles (0.0022%); highest among the groups gnomAD compares: Non-Finnish European, 0.0028%; no homozygotes.

Submissions (2):

Labcorp Genetics (formerly Invitae), Labcorp
Classification: Uncertain significance. Last evaluated: 2022-05-21. Review status: criteria provided, single submitter. Criteria: Invitae Variant Classification Sherloc (09022015). Collection method: clinical testing. Allele origin: germline.
Comment: This sequence change replaces methionine, which is neutral and non-polar, with isoleucine, which is neutral and non-polar, at codon 344 of the TAPT1 protein (p.Met344Ile). This variant is not present in population databases (gnomAD no frequency). This variant has not been reported in the literature in individuals affected with TAPT1-related conditions. ClinVar contains an entry for this variant (Variation ID: 690289). Algorithms developed to predict the effect of missense changes on protein structure and function are either unavailable or do not agree on the potential impact of this missense change (SIFT: "Tolerated"; PolyPhen-2: "Possibly Damaging"; Align-GVGD: "Class C0"). Algorithms developed to predict the effect of sequence changes on RNA splicing suggest that this variant may disrupt the consensus splice site. In summary, the available evidence is currently insufficient to determine the role of this variant in disease. Therefore, it has been classified as a Variant of Uncertain Significance.

HudsonAlpha Institute for Biotechnology
Classification: Uncertain significance for Complex lethal osteochondrodysplasia. Last evaluated: 2021-10-18. Review status: criteria provided, single submitter. Criteria: ACMG Guidelines, 2015. Collection method: research. Allele origin: paternal. Observed: 1 variant allele. Study: CSER-SouthSeq.
Comment: ACMG codes: PM2; PP3